The following is an entry in ClinVar:

ClinVar aggregate classification (germline): Uncertain significance. Review status: criteria provided, multiple submitters, no conflicts (2 of 4 stars). 2 submissions from 2 submitters: Uncertain significance (2). Last evaluated 2026-06-24.

Conditions:
Hereditary cancer-predisposing syndrome. Also called: Tumor predisposition; Hereditary neoplastic syndrome; Hereditary Cancer Syndrome; Neoplastic Syndromes, Hereditary. Identifiers: Orphanet 140162, MedGen C0027672, MeSH D009386, MONDO:0015356.

Submissions (2):

Ambry Genetics
Classification: Uncertain significance for Hereditary cancer-predisposing syndrome. Last evaluated: 2026-06-24. Review status: criteria provided, single submitter. Criteria: Ambry Variant Classification Scheme 2023. Collection method: clinical testing. Allele origin: germline.
Comment: The c.2508C>T variant (also known as p.C836C), located in coding exon 22 of the POLE gene, results from a C to T substitution at nucleotide position 2508. This nucleotide substitution does not change the amino acid at codon 836. This nucleotide position is well conserved in available vertebrate species. In silico splice site analysis predicts that this alteration may result in the creation or strengthening of a novel splice acceptor site. Based on the available evidence, the clinical significance of this variant remains unclear.

Labcorp Genetics (formerly Invitae), Labcorp
Classification: Uncertain significance. Last evaluated: 2024-09-10. Review status: criteria provided, single submitter. Criteria: Invitae Variant Classification Sherloc (09022015). Collection method: clinical testing. Allele origin: germline.
Comment: This sequence change affects codon 836 of the POLE mRNA. It is a 'silent' change, meaning that it does not change the encoded amino acid sequence of the POLE protein. This variant is not present in population databases (gnomAD no frequency). This variant has not been reported in the literature in individuals affected with POLE-related conditions. Algorithms developed to predict the effect of sequence changes on RNA splicing suggest that this variant may create or strengthen a splice site. In summary, the available evidence is currently insufficient to determine the role of this variant in disease. Therefore, it has been classified as a Variant of Uncertain Significance.

NM_006231.4(POLE):c.2508C>T (p.Cys836=)

Gene: POLE (DNA polymerase epsilon, catalytic subunit; minus strand). Cytogenetic location: 12q24.33.
Variant type: single nucleotide variant.
Coding change: c.2508C>T on transcript NM_006231.4 (MANE Select); coding-DNA position 2508, C replaced by T.
Protein change: p.Cys836=; no amino-acid change (cysteine 836 retained).
Molecular consequence: synonymous variant.
Genome position (GRCh38, 1-based): chr12:132,664,423, G>A on the plus strand (C>T on the coding strand, the complement: POLE is on the minus strand). VCF-style: chr12-132664423-G-A. GRCh37 (hg19) VCF-style: chr12-133241009-G-A.
Other names: c.2508C>T (NM_006231.2).
Identifiers: ClinVar variation 3720125 (VCV003720125.3).